The following is an entry in ClinVar:

NM_001105206.3(LAMA4):c.3239G>A (p.Arg1080Gln)

Gene: LAMA4 (laminin subunit alpha 4; minus strand). Cytogenetic location: 6q21.
Variant type: single nucleotide variant.
Coding change: c.3239G>A on transcript NM_001105206.3 (MANE Select); coding-DNA position 3239, G replaced by A.
Protein change: p.Arg1080Gln; replaces arginine 1080 with glutamine.
Molecular consequence: missense variant.
Genome position (GRCh38, 1-based): chr6:112,139,163, C>T on the plus strand (G>A on the coding strand, the complement: LAMA4 is on the minus strand). VCF-style: chr6-112139163-C-T. GRCh37 (hg19) VCF-style: chr6-112460365-C-T.
Other names: p.R1073Q:CGA>CAA; c.3218G>A, p.Arg1073Gln (NM_001105207.3, NM_002290.5); short protein forms R1073Q, R1080Q.
Identifiers: ClinVar variation 44374 (VCV000044374.57), dbSNP rs41289902, ClinGen allele CA282372.

ClinVar aggregate classification (germline): Benign/Likely benign. Review status: criteria provided, multiple submitters, no conflicts (2 of 4 stars). 15 submissions from 15 submitters: Benign (11); Likely benign (1). 3 of the submissions do not count toward it. Last evaluated 2026-09-01.

Conditions:
Dilated cardiomyopathy 1JJ (CMD1JJ). Identifiers: Orphanet 154, MedGen C3808935, MONDO:0014095, OMIM 615235.
Cardiomyopathy (CMYO). Also called: Cardiomyopathies. Identifiers: Orphanet 167848, MedGen C0878544, MONDO:0004994, HP:0001638. Inheritance: Various modes of inheritance.

Allele frequency attached by ClinVar (database versions not stated): TOPMed 0.00884; ESP Exome Variant Server 0.00938; gnomAD exomes 0.01235 and 0.01034; ExAC 0.00999; 1000 Genomes Project 0.00359; gnomAD 0.01004 and 0.01045; 1000 Genomes Project 30x 0.00406.
gnomAD v4.1: 19,455 of 1,614,076 alleles (1.2%); highest among the groups gnomAD compares: Non-Finnish European, 1.4%; 157 homozygotes.

Submissions (15):

CeGaT Center for Human Genetics Tuebingen
Classification: Benign. Last evaluated: 2026-09-01. Review status: criteria provided, single submitter. Criteria: CeGaT Center For Human Genetics Tuebingen Variant Classification Criteria Version 2. Collection method: clinical testing. Allele origin: germline. Affected: yes. Observed: 6 variant alleles.
Comment: LAMA4: BS1, BS2

Labcorp Genetics (formerly Invitae), Labcorp
Classification: Benign for Dilated cardiomyopathy 1JJ. Last evaluated: 2026-02-02. Review status: criteria provided, single submitter. Criteria: Invitae Variant Classification Sherloc (09022015). Collection method: clinical testing. Allele origin: germline.

ARUP Laboratories, Molecular Genetics and Genomics, ARUP Laboratories
Classification: Benign for Dilated cardiomyopathy 1JJ. Last evaluated: 2023-10-26. Review status: criteria provided, single submitter. Criteria: ARUP Molecular Germline Variant Investigation Process 2024. Collection method: clinical testing. Allele origin: germline.

Women's Health and Genetics/Laboratory Corporation of America, LabCorp
Classification: Likely benign. Last evaluated: 2023-07-21. Review status: criteria provided, single submitter. Criteria: LabCorp Variant Classification Summary - May 2015. Collection method: clinical testing. Allele origin: germline.

CHEO Genetics Diagnostic Laboratory, Children's Hospital of Eastern Ontario
Classification: Benign for Cardiomyopathy. Last evaluated: 2016-06-27. Review status: criteria provided, single submitter. Criteria: ACMG Guidelines, 2015. Collection method: clinical testing. Allele origin: germline. Study: Canadian Open Genetics Repository.

Clinical Genetics DNA and cytogenetics Diagnostics Lab, Erasmus MC, Erasmus Medical Center
Classification: Benign for Dilated cardiomyopathy 1JJ. Last evaluated: 2015-09-21. Review status: criteria provided, single submitter. Criteria: ACGS Guidelines, 2013. Collection method: clinical testing. Allele origin: germline. Affected: yes. Study: VKGL Data-share Consensus.

Genome Diagnostics Laboratory, University Medical Center Utrecht
Classification: Benign for Dilated cardiomyopathy 1JJ. Last evaluated: 2014-10-09. Review status: criteria provided, single submitter. Criteria: ACGS Guidelines, 2013. Collection method: clinical testing. Allele origin: germline. Affected: yes. Study: VKGL Data-share Consensus.

GeneDx
Classification: Benign. Last evaluated: 2014-02-06. Review status: criteria provided, single submitter. Criteria: GeneDx Variant Classification (06012015). Collection method: clinical testing. Allele origin: germline. Affected: yes.
Comment: This variant is considered likely benign or benign based on one or more of the following criteria: it is a conservative change, it occurs at a poorly conserved position in the protein, it is predicted to be benign by multiple in silico algorithms, and/or has population frequency not consistent with disease.

Biesecker Lab/Clinical Genomics Section, National Institutes of Health
Classification: Benign. Last evaluated: 2013-06-24. Review status: criteria provided, single submitter. Criteria: Ng et al. (Circ Cardiovasc Genet. 2013). Collection method: research. Allele origin: unknown. Observed: 17 variant alleles. Study: ClinSeq.
Comment: The study set was not selected for affection status in relation to any cancer. Pathogenicity categories were based on literature curation. See Pubmed ID:23861362 for details.

Medical sequencing

Eurofins Ntd Llc (ga)
Classification: Benign. Last evaluated: 2013-06-11. Review status: criteria provided, single submitter. Criteria: EGL Classification Definitions 2015. Collection method: clinical testing. Allele origin: germline. Observed: 1 variant allele, 1 heterozygote.

Laboratory for Molecular Medicine, Mass General Brigham Personalized Medicine
Classification: Benign. Last evaluated: 2012-01-31. Review status: criteria provided, single submitter. Criteria: LMM Criteria. Collection method: clinical testing. Allele origin: germline. Observed: 43 variant alleles.
Comment: Arg1073Gln in exon 24 of LAMA4: This variant is classified as benign based on i ts high frequency in the general population (rs41289902; n.edu/EVS/).

PreventionGenetics, part of Exact Sciences
Classification: Benign. Review status: criteria provided, single submitter. Criteria: ACMG Guidelines, 2015. Collection method: clinical testing. Allele origin: germline.

Clinical Genetics, Academic Medical Center
Classification: Benign. Review status: no assertion criteria provided. Collection method: clinical testing. Allele origin: germline. Affected: yes. Study: VKGL Data-share Consensus. Not counted in ClinVar's aggregate classification.

Diagnostic Laboratory, Department of Genetics, University Medical Center Groningen
Classification: Likely benign for Dilated cardiomyopathy 1JJ. Review status: no assertion criteria provided. Collection method: clinical testing. Allele origin: germline. Affected: yes. Study: VKGL Data-share Consensus. Not counted in ClinVar's aggregate classification.

Joint Genome Diagnostic Labs from Nijmegen and Maastricht, Radboudumc and MUMC+
Classification: Benign. Review status: no assertion criteria provided. Collection method: clinical testing. Allele origin: germline. Affected: yes. Study: VKGL Data-share Consensus. Not counted in ClinVar's aggregate classification.

Literature cited by the submitters: PubMed 17646580 (cited by Laboratory for Molecular Medicine, Mass General Brigham Personalized Medicine); PubMed 20890277 (cited by Laboratory for Molecular Medicine, Mass General Brigham Personalized Medicine).